The following is an entry in ClinVar:

ClinVar aggregate classification (germline): Likely benign (0 of 4 stars; one submission).

Conditions:
EFCAB5-related disorder. Also called: EFCAB5-related condition.

Allele frequency attached by ClinVar (database versions not stated): gnomAD exomes 0.00023; 1000 Genomes Project 30x 0.00109; ExAC 0.00118; 1000 Genomes Project 0.00140; ESP Exome Variant Server 0.00176; gnomAD 0.00190; TOPMed 0.00229.
gnomAD v4.1: 607 of 1,480,542 alleles (0.041%); highest among the groups gnomAD compares: African/African-American, 0.67%; 2 homozygotes.

Submission:

PreventionGenetics, part of Exact Sciences
Classification: Likely benign for EFCAB5-related condition. Last evaluated: 2021-06-18. Review status: no assertion criteria provided. Collection method: clinical testing. Allele origin: germline.
Comment: This variant is classified as likely benign based on ACMG/AMP sequence variant interpretation guidelines (Richards et al. 2015 PMID: 25741868, with internal and published modifications).

NM_198529.4(EFCAB5):c.191A>G (p.Glu64Gly)

Gene: EFCAB5 (EF-hand calcium binding domain 5; plus strand). Cytogenetic location: 17q11.2.
Variant type: single nucleotide variant.
Coding change: c.191A>G on transcript NM_198529.4 (MANE Select); coding-DNA position 191, A replaced by G.
Protein change: p.Glu64Gly; replaces glutamic acid 64 with glycine.
Molecular consequence: missense variant. On other transcripts: non-coding transcript variant (1).
Genome position (GRCh38, 1-based): chr17:29,968,791, A>G. VCF-style: chr17-29968791-A-G. GRCh37 (hg19) VCF-style: chr17-28295809-A-G.
Other names: c.23A>G, p.Glu8Gly (NM_001145053.2); short protein forms E64G, E8G.
Identifiers: ClinVar variation 3040137 (VCV003040137.2), dbSNP rs185083507, ClinGen allele CA8478537.